The following is an entry in ClinVar:

NM_001999.4(FBN2):c.7587A>G (p.Thr2529=)

Gene: FBN2 (fibrillin 2; minus strand). Cytogenetic location: 5q23.3.
Variant type: single nucleotide variant.
Coding change: c.7587A>G on transcript NM_001999.4 (MANE Select); coding-DNA position 7587, A replaced by G.
Protein change: p.Thr2529=; no amino-acid change (threonine 2529 retained).
Molecular consequence: synonymous variant.
Genome position (GRCh38, 1-based): chr5:128,276,045, T>C on the plus strand (A>G on the coding strand, the complement: FBN2 is on the minus strand). VCF-style: chr5-128276045-T-C. GRCh37 (hg19) VCF-style: chr5-127611737-T-C.
Identifiers: ClinVar variation 509694 (VCV000509694.11), dbSNP rs145809024, ClinGen allele CA3394083.

ClinVar aggregate classification (germline): Likely benign. Review status: criteria provided, multiple submitters, no conflicts (2 of 4 stars). 3 submissions from 3 submitters: Likely benign (3). Last evaluated 2025-06-02.

Conditions:
Familial thoracic aortic aneurysm and aortic dissection (TAAD). Also called: Thoracic aortic aneurysms and dissections. Identifiers: Orphanet 91387, MedGen C4707243, MONDO:0019625.
Congenital contractural arachnodactyly (CCA). Also called: BEALS SYNDROME; Arthrogryposis, distal, type 9; Beals-Hecht syndrome. Identifiers: Orphanet 115, MedGen C0220668, MONDO:0007363, OMIM 121050.

Allele frequency attached by ClinVar (database versions not stated): gnomAD 0.00003 and 0.00004; gnomAD exomes 0.00004 and 0.00011; ExAC 0.00005; TOPMed 0.00005; 1000 Genomes Project 30x 0.00016; 1000 Genomes Project 0.00020; ESP Exome Variant Server 0.00023.
gnomAD v4.1: 163 of 1,613,822 alleles (0.01%); highest among the groups gnomAD compares: Non-Finnish European, 0.013%; 1 homozygote.

Submissions (3):

Labcorp Genetics (formerly Invitae), Labcorp
Classification: Likely benign for Congenital contractural arachnodactyly. Last evaluated: 2025-06-02. Review status: criteria provided, single submitter. Criteria: Invitae Variant Classification Sherloc (09022015). Collection method: clinical testing. Allele origin: germline.

Ambry Genetics
Classification: Likely benign for Familial thoracic aortic aneurysm and aortic dissection. Last evaluated: 2018-04-17. Review status: criteria provided, single submitter. Criteria: Ambry Variant Classification Scheme 2023. Collection method: clinical testing. Allele origin: germline.

GeneDx
Classification: Likely benign. Last evaluated: 2017-06-09. Review status: criteria provided, single submitter. Criteria: GeneDx Variant Classification (06012015). Collection method: clinical testing. Allele origin: germline. Affected: yes.
Comment: This variant is considered likely benign or benign based on one or more of the following criteria: it is a conservative change, it occurs at a poorly conserved position in the protein, it is predicted to be benign by multiple in silico algorithms, and/or has population frequency not consistent with disease.